The following is an entry in ClinVar:

ClinVar aggregate classification (germline): Uncertain significance. Review status: criteria provided, single submitter (1 of 4 stars). 2 submissions from 2 submitters: Uncertain significance (1). 1 of the submissions does not count toward it. Last evaluated 2026-01-12.

Conditions:
COG5-related disorder. Also called: COG5-related condition.
COG5-congenital disorder of glycosylation. Also called: CDG IIi; CONGENITAL DISORDER OF GLYCOSYLATION, TYPE IIi; COG5-CDG. Identifiers: Orphanet 263487, MedGen C3150876, MONDO:0013325, OMIM 613612.

Allele frequency attached by ClinVar (database versions not stated): gnomAD exomes 0.00001 and 0.00004; TOPMed 0.00002; ExAC 0.00003.
gnomAD v4.1: 10 of 1,590,460 alleles (0.00063%); highest among the groups gnomAD compares: East Asian, 0.022%; no homozygotes.

Submissions (2):

Labcorp Genetics (formerly Invitae), Labcorp
Classification: Uncertain significance for COG5-congenital disorder of glycosylation. Last evaluated: 2026-01-12. Review status: criteria provided, single submitter. Criteria: Invitae Variant Classification Sherloc (09022015). Collection method: clinical testing. Allele origin: germline.
Comment: This sequence change falls in intron 9 of the COG5 gene. It does not directly change the encoded amino acid sequence of the COG5 protein. It affects a nucleotide within the consensus splice site. This variant is present in population databases (rs776326738, gnomAD 0.06%). This variant has not been reported in the literature in individuals affected with COG5-related conditions. ClinVar contains an entry for this variant (Variation ID: 966795). Variants that disrupt the consensus splice site are a relatively common cause of aberrant splicing (PMID: 17576681, 9536098). Algorithms developed to predict the effect of sequence changes on RNA splicing suggest that this variant is not likely to affect RNA splicing. In summary, the available evidence is currently insufficient to determine the role of this variant in disease. Therefore, it has been classified as a Variant of Uncertain Significance.

PreventionGenetics, part of Exact Sciences
Classification: Likely benign for COG5-related condition. Last evaluated: 2019-08-29. Review status: no assertion criteria provided. Collection method: clinical testing. Allele origin: germline. Not counted in ClinVar's aggregate classification.
Comment: This variant is classified as likely benign based on ACMG/AMP sequence variant interpretation guidelines (Richards et al. 2015 PMID: 25741868, with internal and published modifications).

Literature cited by the submitters: PubMed 17576681 (cited by Labcorp Genetics (formerly Invitae), Labcorp); PubMed 9536098 (cited by Labcorp Genetics (formerly Invitae), Labcorp).

NM_006348.5(COG5):c.948+5A>G

Gene: COG5 (component of oligomeric golgi complex 5; minus strand). Cytogenetic location: 7q22.3.
Variant type: single nucleotide variant.
Coding change: c.948+5A>G on transcript NM_006348.5 (MANE Select); 5 bases into the intron after coding-DNA position 948, A replaced by G.
Molecular consequence: intron variant.
Genome position (GRCh38, 1-based): chr7:107,362,303, T>C on the plus strand (A>G on the coding strand, the complement: COG5 is on the minus strand). VCF-style: chr7-107362303-T-C. GRCh37 (hg19) VCF-style: chr7-107002748-T-C.
Other names: c.235-193A>G (NM_001379516.1); c.539-63957A>G (NM_001379515.1); c.948+5A>G (NM_001379511.1, NM_001379512.1, NM_181733.4 and 3 more transcripts).
Identifiers: ClinVar variation 966795 (VCV000966795.7), dbSNP rs776326738, ClinGen allele CA4431064.